The following is an entry in ClinVar:

NM_032638.5(GATA2):c.142T>A (p.Phe48Ile)

Gene: GATA2 (GATA binding protein 2; minus strand). Cytogenetic location: 3q21.3.
Variant type: single nucleotide variant.
Coding change: c.142T>A on transcript NM_032638.5 (MANE Select); coding-DNA position 142, T replaced by A.
Protein change: p.Phe48Ile; replaces phenylalanine 48 with isoleucine.
Molecular consequence: missense variant.
Genome position (GRCh38, 1-based): chr3:128,486,890, A>T on the plus strand (T>A on the coding strand, the complement: GATA2 is on the minus strand). VCF-style: chr3-128486890-A-T. GRCh37 (hg19) VCF-style: chr3-128205733-A-T.
Other names: p.Phe48Ile; c.142T>A, p.Phe48Ile (NM_001145661.2, NM_001145662.1); short protein forms F48I.
Identifiers: ClinVar variation 241720 (VCV000241720.20), dbSNP rs878855170, ClinGen allele CA10582135.

ClinVar aggregate classification (germline): Conflicting classifications of pathogenicity. Review status: criteria provided, conflicting classifications (1 of 4 stars). 5 submissions from 5 submitters: Uncertain significance (4); Likely benign (1). Last evaluated 2025-08-07.

Conditions:
Inborn genetic diseases. Identifiers: MedGen C0950123, MeSH D030342.
Monocytopenia with susceptibility to infections. Also called: Dendritic cell, monocyte, B lymphocyte, and natural killer lymphocyte deficiency; IMMUNODEFICIENCY 21; GATA2 DEFICIENCY; MONOCYTOPENIA AND MYCOBACTERIAL INFECTION SYNDROME; MONOCYTOPENIA WITH SUSCEPTIBILITY TO MYCOBACTERIAL, FUNGAL, AND PAPILLOMAVIRUS INFECTIONS AND MYELODYSPLASIA; COMBINED IMMUNODEFICIENCY WITH SUSCEPTIBILITY TO MYCOBACTERIAL, VIRAL, AND FUNGAL INFECTIONS. Identifiers: Orphanet 228423, MedGen C3280030, MONDO:0013607, OMIM 614172.
Deafness-lymphedema-leukemia syndrome. Also called: Lymphedema, primary, with myelodysplasia; Emberger syndrome. Identifiers: Orphanet 3226, MedGen C3279664, MONDO:0013540, OMIM 614038.

Allele frequency attached by ClinVar (database versions not stated): TOPMed 0.00002; gnomAD exomes 0.00002.
gnomAD v4.1: 6 of 1,612,838 alleles (0.00037%); highest among the groups gnomAD compares: Admixed American, 0.0017%; no homozygotes.

Submissions (5):

Labcorp Genetics (formerly Invitae), Labcorp
Classification: Uncertain significance for Monocytopenia with susceptibility to infections; Deafness-lymphedema-leukemia syndrome. Last evaluated: 2025-08-07. Review status: criteria provided, single submitter. Criteria: Invitae Variant Classification Sherloc (09022015). Collection method: clinical testing. Allele origin: germline.
Comment: This sequence change replaces phenylalanine, which is neutral and non-polar, with isoleucine, which is neutral and non-polar, at codon 48 of the GATA2 protein (p.Phe48Ile). This variant is present in population databases (no rsID available, gnomAD 0.005%). This variant has not been reported in the literature in individuals affected with GATA2-related conditions. ClinVar contains an entry for this variant (Variation ID: 241720). Invitae Evidence Modeling of protein sequence and biophysical properties (such as structural, functional, and spatial information, amino acid conservation, physicochemical variation, residue mobility, and thermodynamic stability) has been performed for this missense variant. However, the output from this modeling did not meet the statistical confidence thresholds required to predict the impact of this variant on GATA2 protein function. In summary, the available evidence is currently insufficient to determine the role of this variant in disease. Therefore, it has been classified as a Variant of Uncertain Significance.

Ambry Genetics
Classification: Likely benign for Inborn genetic diseases. Last evaluated: 2024-08-20. Review status: criteria provided, single submitter. Criteria: Ambry Variant Classification Scheme 2023. Collection method: clinical testing. Allele origin: germline.

Mayo Clinic Laboratories, Mayo Clinic
Classification: Uncertain significance. Last evaluated: 2024-01-04. Review status: criteria provided, single submitter. Criteria: ACMG Guidelines, 2015. Collection method: clinical testing. Allele origin: germline. Observed: 1 variant allele.
Comment: PP3, PM1, PM2_moderate

GeneDx
Classification: Uncertain significance. Last evaluated: 2022-09-16. Review status: criteria provided, single submitter. Criteria: GeneDx Variant Classification Process June 2021. Collection method: clinical testing. Allele origin: germline. Affected: yes.
Comment: In silico analysis supports that this missense variant has a deleterious effect on protein structure/function; Has not been previously published as pathogenic or benign to our knowledge

ARUP Laboratories, Molecular Genetics and Genomics, ARUP Laboratories
Classification: Uncertain significance. Last evaluated: 2020-02-27. Review status: criteria provided, single submitter. Criteria: ARUP Molecular Germline Variant Investigation Process. Collection method: clinical testing. Allele origin: germline.
Comment: The GATA2 c.142T>A; p.Phe48Ile variant (rs878855170), to our knowledge, is not reported in the medical literature but is reported in ClinVar (Variation ID: 241720). This variant is found on only six chromosomes (6/244980 alleles) in the Genome Aggregation Database. The phenylalanine at codon 48 is highly conserved, but computational analyses (SIFT: damaging, PolyPhen-2: benign) predict conflicting effects of this variant on protein structure/function. However, due to limited information, the clinical significance of the p.Phe48Ile variant is uncertain at this time.